The following is an entry in ClinVar:

NM_002887.4(RARS1):c.479-166A>G

Gene: RARS1 (arginyl-tRNA synthetase 1; plus strand). Cytogenetic location: 5q34.
Variant type: single nucleotide variant.
Coding change: c.479-166A>G on transcript NM_002887.4 (MANE Select); 166 bases into the intron before coding-DNA position 479, A replaced by G.
Molecular consequence: intron variant.
Genome position (GRCh38, 1-based): chr5:168,494,384, A>G. VCF-style: chr5-168494384-A-G. GRCh37 (hg19) VCF-style: chr5-167921389-A-G.
Identifiers: ClinVar variation 683648 (VCV000683648.1), dbSNP rs13182927, ClinGen allele CA12015958.

ClinVar aggregate classification (germline): Benign (1 of 4 stars; one submission).

Allele frequency attached by ClinVar (database versions not stated): gnomAD exomes 0.16852; TOPMed 0.16868; 1000 Genomes Project 30x 0.21861; 1000 Genomes Project 0.22764; gnomAD 0.16365.
gnomAD v4.1: 165,802 of 985,166 alleles (17%); highest among the groups gnomAD compares: East Asian, 53%; 14,841 homozygotes.

Submission:

GeneDx
Classification: Benign. Last evaluated: 2018-06-14. Review status: criteria provided, single submitter. Criteria: GeneDx Variant Classification (06012015). Collection method: clinical testing. Allele origin: germline. Affected: yes.
Comment: This variant is considered likely benign or benign based on one or more of the following criteria: it is a conservative change, it occurs at a poorly conserved position in the protein, it is predicted to be benign by multiple in silico algorithms, and/or has population frequency not consistent with disease.